The following is an entry in ClinVar:

ClinVar aggregate classification (germline): Pathogenic (1 of 4 stars; one submission).

Conditions:
Autoimmune lymphoproliferative syndrome type 1. Also called: AUTOIMMUNE LYMPHOPROLIFERATIVE SYNDROME, TYPE I, AUTOSOMAL DOMINANT. Identifiers: Orphanet 3261, MedGen C2717884, MONDO:0011158, OMIM 601859.

Submission:

Labcorp Genetics (formerly Invitae), Labcorp
Classification: Pathogenic for Autoimmune lymphoproliferative syndrome. Last evaluated: 2024-08-21. Review status: criteria provided, single submitter. Criteria: Invitae Variant Classification Sherloc (09022015). Collection method: clinical testing. Allele origin: germline.
Comment: This sequence change creates a premature translational stop signal (p.Glu45*) in the FAS gene. It is expected to result in an absent or disrupted protein product. Loss-of-function variants in FAS are known to be pathogenic (PMID: 10875918, 22237435). This variant is not present in population databases (gnomAD no frequency). This premature translational stop signal has been observed in individual(s) with autoimmune lymphoproliferative syndrome (PMID: 21490157). For these reasons, this variant has been classified as Pathogenic.

Literature cited by the submitters: PubMed 10875918; PubMed 22237435; PubMed 21490157.

NM_000043.6(FAS):c.133G>T (p.Glu45Ter)

Gene: FAS (Fas cell surface death receptor; plus strand). Cytogenetic location: 10q23.31.
Variant type: single nucleotide variant.
Coding change: c.133G>T on transcript NM_000043.6 (MANE Select); coding-DNA position 133, G replaced by T.
Protein change: p.Glu45Ter; replaces glutamic acid 45 with a stop codon.
Molecular consequence: nonsense. On other transcripts: non-coding transcript variant (7).
Genome position (GRCh38, 1-based): chr10:89,003,131, G>T. VCF-style: chr10-89003131-G-T. GRCh37 (hg19) VCF-style: chr10-90762888-G-T.
Other names: c.133G>T, p.Glu45Ter (NM_001320619.2, NM_152871.4, NM_152872.4); c.178G>T, p.Glu60Ter (NM_001410956.1); short protein forms E45*, E60*.
Identifiers: ClinVar variation 3720954 (VCV003720954.2).